The following is an entry in ClinVar:

ClinVar aggregate classification (germline): Uncertain significance (1 of 4 stars; one submission).

Conditions:
Inborn genetic diseases. Identifiers: MedGen C0950123, MeSH D030342.

Allele frequency attached by ClinVar (database versions not stated): gnomAD exomes below 0.00001.
gnomAD v4.1: 1 of 1,613,380 alleles (0.000062%); highest among the groups gnomAD compares: Non-Finnish European, 0.000085%; no homozygotes.

Submission:

Ambry Genetics
Classification: Uncertain significance for Inborn genetic diseases. Last evaluated: 2023-09-25. Review status: criteria provided, single submitter. Criteria: Ambry Variant Classification Scheme 2023. Collection method: clinical testing. Allele origin: germline.
Comment: The p.M709V variant (also known as c.2125A>G), located in coding exon 13 of the PIK3CA gene, results from an A to G substitution at nucleotide position 2125. The methionine at codon 709 is replaced by valine, an amino acid with highly similar properties. This amino acid position is conserved. In addition, this alteration is predicted to be deleterious by in silico analysis. Since supporting evidence is limited at this time, the clinical significance of this alteration remains unclear.

NM_006218.4(PIK3CA):c.2125A>G (p.Met709Val)

Gene: PIK3CA (phosphatidylinositol-4,5-bisphosphate 3-kinase catalytic subunit alpha; plus strand). Cytogenetic location: 3q26.32.
Variant type: single nucleotide variant.
Coding change: c.2125A>G on transcript NM_006218.4 (MANE Select); coding-DNA position 2125, A replaced by G.
Protein change: p.Met709Val; replaces methionine 709 with valine.
Molecular consequence: missense variant.
Genome position (GRCh38, 1-based): chr3:179,221,095, A>G. VCF-style: chr3-179221095-A-G. GRCh37 (hg19) VCF-style: chr3-178938883-A-G.
Other names: short protein forms M709V.
Identifiers: ClinVar variation 3225350 (VCV003225350.1), dbSNP rs2108413670, ClinGen allele CA355268987.